The following is an entry in ClinVar:

ClinVar aggregate classification (germline): Uncertain significance (1 of 4 stars; one submission).

Submission:

GeneDx
Classification: Uncertain significance. Last evaluated: 2024-08-23. Review status: criteria provided, single submitter. Criteria: GeneDx Variant Classification Process June 2021. Collection method: clinical testing. Allele origin: germline. Affected: yes.
Comment: Not observed at significant frequency in large population cohorts (gnomAD); In silico analysis indicates that this missense variant does not alter protein structure/function; Has not been previously published as pathogenic or benign to our knowledge

NM_005909.5(MAP1B):c.2356A>C (p.Lys786Gln)

Gene: MAP1B (microtubule associated protein 1B; plus strand). Cytogenetic location: 5q13.2.
Variant type: single nucleotide variant.
Coding change: c.2356A>C on transcript NM_005909.5 (MANE Select); coding-DNA position 2356, A replaced by C.
Protein change: p.Lys786Gln; replaces lysine 786 with glutamine.
Molecular consequence: missense variant.
Genome position (GRCh38, 1-based): chr5:72,195,711, A>C. VCF-style: chr5-72195711-A-C. GRCh37 (hg19) VCF-style: chr5-71491538-A-C.
Other names: c.1978A>C, p.Lys660Gln (NM_001324255.2); short protein forms K660Q, K786Q.
Identifiers: ClinVar variation 3764208 (VCV003764208.1).